The following is an entry in ClinVar:

NM_194454.3(KRIT1):c.386G>A (p.Cys129Tyr)

Gene: KRIT1 (KRIT1 ankyrin repeat containing; minus strand). Cytogenetic location: 7q21.2.
Variant type: single nucleotide variant.
Coding change: c.386G>A on transcript NM_194454.3 (MANE Select); coding-DNA position 386, G replaced by A.
Protein change: p.Cys129Tyr; replaces cysteine 129 with tyrosine.
Molecular consequence: missense variant. On other transcripts: 5 prime UTR variant (1).
Genome position (GRCh38, 1-based): chr7:92,236,512, C>T on the plus strand (G>A on the coding strand, the complement: KRIT1 is on the minus strand). VCF-style: chr7-92236512-C-T. GRCh37 (hg19) VCF-style: chr7-91865826-C-T.
Other names: c.386G>A, p.Cys129Tyr (NM_001013406.2, NM_001350669.1, NM_001350670.1 and 29 more transcripts); c.-198G>A (NM_001350671.1); short protein forms C129Y.
Identifiers: ClinVar variation 978169 (VCV000978169.4), dbSNP rs764760437, ClinGen allele CA4339389.
Genomic context (GRCh38, chr7:92,236,512, plus strand): 5'-AAATGAGTACTGGATTCACTACAGACTCGCATAATATCTTGTAAGCAGTAAAAAATTGGG[C>T]ATCCTGGGGTATATGTGTATTTAGTATTATCTGAAAAAGAAAAATGAAGAATTATGCTAC-3'
Protein context (NP_919436.1, residues 119-139): DNTKYTYTPG[Cys129Tyr]PIFYCLQDIM

ClinVar aggregate classification (germline): Uncertain significance. Review status: criteria provided, multiple submitters, no conflicts (2 of 4 stars). 2 submissions from 2 submitters: Uncertain significance (2). Last evaluated 2025-06-03.

Conditions:
Inborn genetic diseases. Identifiers: MedGen C0950123, MeSH D030342.
Cerebral cavernous malformation (CCM). Also called: Cavernous Hemangioma of Brain; Cerebral cavernous hemangioma (type); CAVERNOUS ANGIOMA, FAMILIAL; CAVERNOUS ANGIOMATOUS MALFORMATIONS; CEREBRAL CAPILLARY MALFORMATIONS; Cerebral cavernous malformations. Identifiers: Orphanet 221061, MedGen C2919945, MONDO:0000820, OMIM 116860, HP:0033522.

Allele frequency attached by ClinVar (database versions not stated): gnomAD below 0.00001 and 0.00001; ExAC 0.00001; gnomAD exomes 0.00001; TOPMed 0.00001.

Submissions (2):

Ambry Genetics
Classification: Uncertain significance for Inborn genetic diseases. Last evaluated: 2025-06-03. Review status: criteria provided, single submitter. Criteria: Ambry Variant Classification Scheme 2023. Collection method: clinical testing. Allele origin: germline.

New York Genome Center
Classification: Uncertain significance for Cerebral cavernous malformation. Last evaluated: 2022-08-01. Review status: criteria provided, single submitter. Criteria: NYGC Assertion Criteria 2020. Collection method: clinical testing. Allele origin: inherited. Observed: 2 heterozygotes. Clinical features observed: Seizure (HP:0001250), Migraine without aura (HP:0002083). Study: CSER-NYCKidSeq.
Comment: The c.386G>A, p.Cys129Tyr missense variant in KRIT1 has not been reported in affected individuals in the available literature. This variant is found with low frequency in gnomAD (3 heterozygotes, 0 homozygotes; allele frequency: 0.00001195) indicating it is not a common benign variant in the populations represented in this database. In silico predictors suggest this variant is Neutral (Provean; score: -0.86) and Damaging (SIFT; score: 0.025). This missense variant is localized to the N-terminal conserved NUDIX domain. Most of the reported KRIT1 mutations result in premature stop codons [PMID: 29593473], though missense changes have also been reported in few cases [PMID: 29593473, PMID: 11941540, PMID: 25525273]. Given the conflicting evidence regarding its pathogenicity, the c.386G>A (p.Cys129Tyr) variant identified in the KRIT1 gene is reported here as a Variant of Uncertain Significance.